The following is an entry in ClinVar:

ClinVar aggregate classification (germline): Likely benign. Review status: criteria provided, multiple submitters, no conflicts (2 of 4 stars). 2 submissions from 2 submitters: Likely benign (2). Last evaluated 2023-12-15.

Allele frequency attached by ClinVar (database versions not stated): TOPMed 0.00001; gnomAD exomes 0.00002; gnomAD 0.00003; ExAC 0.00006; 1000 Genomes Project 30x 0.00062; 1000 Genomes Project 0.00080.
gnomAD v4.1: 34 of 1,610,968 alleles (0.0021%); highest among the groups gnomAD compares: South Asian, 0.022%; no homozygotes.

Submissions (2):

Blueprint Genetics
Classification: Likely benign. Last evaluated: 2023-12-15. Review status: criteria provided, single submitter. Criteria: ACMG Guidelines, 2015. Collection method: clinical testing. Allele origin: germline.

CeGaT Center for Human Genetics Tuebingen
Classification: Likely benign. Last evaluated: 2023-11-01. Review status: criteria provided, single submitter. Criteria: CeGaT Center For Human Genetics Tuebingen Variant Classification Criteria Version 2. Collection method: clinical testing. Allele origin: germline. Affected: yes. Observed: 1 variant allele.
Comment: PI4KA: BP4, BP7

NM_058004.4(PI4KA):c.4239C>T (p.Ala1413=)

Gene: PI4KA (phosphatidylinositol 4-kinase alpha; minus strand). Cytogenetic location: 22q11.21.
Variant type: single nucleotide variant.
Coding change: c.4239C>T on transcript NM_058004.4 (MANE Select); coding-DNA position 4239, C replaced by T.
Protein change: p.Ala1413=; no amino-acid change (alanine 1413 retained).
Molecular consequence: synonymous variant.
Genome position (GRCh38, 1-based): chr22:20,733,020, G>A on the plus strand (C>T on the coding strand, the complement: PI4KA is on the minus strand). VCF-style: chr22-20733020-G-A. GRCh37 (hg19) VCF-style: chr22-21087308-G-A.
Other names: c.4146C>T, p.Ala1382= (NM_001362862.2); c.4173C>T, p.Ala1391= (NM_001362863.2).
Identifiers: ClinVar variation 2672894 (VCV002672894.24), dbSNP rs547875279, ClinGen allele CA10115130.